The following is an entry in ClinVar:

NM_203395.3(IYD):c.*7C>T

Gene: IYD (iodotyrosine deiodinase; plus strand). Cytogenetic location: 6q25.1.
Variant type: single nucleotide variant.
Coding change: c.*7C>T on transcript NM_203395.3 (MANE Select); 7 bases downstream of the stop codon, C replaced by T.
Molecular consequence: 3 prime UTR variant. On other transcripts: non-coding transcript variant (1).
Genome position (GRCh38, 1-based): chr6:150,398,244, C>T. VCF-style: chr6-150398244-C-T. GRCh37 (hg19) VCF-style: chr6-150719380-C-T.
Other names: c.*107C>T (NM_001164694.2, NM_001164694.1); c.*194C>T (NM_001164695.2); c.*7C>T (NM_001318495.2).
Identifiers: ClinVar variation 1266484 (VCV001266484.5), dbSNP rs2076286, ClinGen allele CA4047169.
Genomic context (GRCh38, chr6:150,398,244, plus strand): 5'-ACGGTGCCTGACCTCAAGCGCAAACCTCTGGACCAGATCATGGTGACAGTGTAGGCAGGG[C>T]CCCCCAAGGGAGTGGCAGGGAGATGGCGCCCCTGCTTTTCCCTGAGCCTCTCGCCTGCTC-3'

ClinVar aggregate classification (germline): Benign. Review status: criteria provided, multiple submitters, no conflicts (2 of 4 stars). 3 submissions from 3 submitters: Benign (2). 1 of the submissions does not count toward it. Last evaluated 2026-05-09.

Conditions:
IYD-related disorder. Also called: IYD-related condition.

Allele frequency attached by ClinVar (database versions not stated): 1000 Genomes Project 0.24461; gnomAD 0.16336 and 0.16591; TOPMed 0.18571; ESP Exome Variant Server 0.15562; 1000 Genomes Project 30x 0.24735.
gnomAD v4.1: 120,328 of 1,613,330 alleles (7.5%); highest among the groups gnomAD compares: African/African-American, 42%; 12,326 homozygotes.

Submissions (3):

Women's Health and Genetics/Laboratory Corporation of America, LabCorp
Classification: Benign. Last evaluated: 2026-05-09. Review status: criteria provided, single submitter. Criteria: LabCorp Variant Classification Summary - May 2015. Collection method: clinical testing. Allele origin: germline.

GeneDx
Classification: Benign. Last evaluated: 2018-11-12. Review status: criteria provided, single submitter. Criteria: GeneDx Variant Classification Process June 2021. Collection method: clinical testing. Allele origin: germline. Affected: yes.

PreventionGenetics, part of Exact Sciences
Classification: Benign for IYD-related condition. Last evaluated: 2019-04-30. Review status: no assertion criteria provided. Collection method: clinical testing. Allele origin: germline. Not counted in ClinVar's aggregate classification.
Comment: This variant is classified as benign based on ACMG/AMP sequence variant interpretation guidelines (Richards et al. 2015 PMID: 25741868, with internal and published modifications).